The following is an entry in ClinVar:

NM_003072.5(SMARCA4):c.3607C>T (p.Arg1203Cys)

Gene: SMARCA4 (SWI/SNF related BAF chromatin remodeling complex subunit ATPase 4; plus strand). Cytogenetic location: 19p13.2.
Variant type: single nucleotide variant.
Coding change: c.3607C>T on transcript NM_003072.5 (MANE Select); coding-DNA position 3607, C replaced by T.
Protein change: p.Arg1203Cys; replaces arginine 1203 with cysteine.
Molecular consequence: missense variant. On other transcripts: non-coding transcript variant (1).
Genome position (GRCh38, 1-based): chr19:11,033,350, C>T. VCF-style: chr19-11033350-C-T. GRCh37 (hg19) VCF-style: chr19-11144026-C-T.
Other names: c.3607C>T, p.Arg1203Cys (NM_001128844.3, NM_001128845.2, NM_001128846.2 and 6 more transcripts); c.3607C>T (NM_001128849.1); short protein forms R1203C.
Identifiers: ClinVar variation 2780427 (VCV002780427.5), dbSNP rs2146649701, ClinGen allele CA404065370.

ClinVar aggregate classification (germline): Conflicting classifications of pathogenicity. Review status: criteria provided, conflicting classifications (1 of 4 stars). 3 submissions from 3 submitters: Pathogenic (2); Uncertain significance (1). Last evaluated 2026-07-09.

Conditions:
Intellectual disability, autosomal dominant 16 (CSS4). Also called: COFFIN-SIRIS SYNDROME 4. Identifiers: Orphanet 1465, MedGen C3553249, MONDO:0013821, OMIM 614609.
Hereditary cancer-predisposing syndrome. Also called: Hereditary Cancer Syndrome; Hereditary neoplastic syndrome; Neoplastic Syndromes, Hereditary; Tumor predisposition. Identifiers: Orphanet 140162, MedGen C0027672, MeSH D009386, MONDO:0015356.
Rhabdoid tumor predisposition syndrome 2 (RTPS2). Identifiers: Orphanet 231108, Orphanet 69077, MedGen C2750074, MONDO:0013224, OMIM 613325.

Submissions (3):

Ambry Genetics
Classification: Uncertain significance for Hereditary cancer-predisposing syndrome. Last evaluated: 2026-07-09. Review status: criteria provided, single submitter. Criteria: Ambry Variant Classification Scheme 2023. Collection method: clinical testing. Allele origin: germline.
Comment: The p.R1203C variant (also known as c.3607C>T), located in coding exon 25 of the SMARCA4 gene, results from a C to T substitution at nucleotide position 3607. The arginine at codon 1203 is replaced by cysteine, an amino acid with highly dissimilar properties. This variant was reported in an individual with developmental disorder (Turner, TN et al. Am J Hum Genet 2019 Dec;105(6):1274-1285). One study reported this variant as de novo in an individual with possibly mild Coffin-Siris Syndrome features (Devito et al. Stem Cell Res 2021 May;53:102304). This amino acid position is highly conserved in available vertebrate species. In addition, this alteration is predicted to be deleterious by in silico analysis. Based on the available evidence, the clinical significance of this variant remains unclear.

3billion
Classification: Pathogenic for Intellectual disability, autosomal dominant 16. Last evaluated: 2025-07-30. Review status: criteria provided, single submitter. Criteria: ACMG Guidelines, 2015. Collection method: clinical testing. Allele origin: germline. Affected: yes.
Comment: The variant is not observed in the gnomAD v4.1.0 dataset. Predicted Consequence/Location: Missense variant In silico tool predictions suggest damaging effect of the variant on gene or gene product [REVEL: 0.95 (>=0.6, sensitivity 0.68 and specificity 0.92); 3Cnet: 0.96 (> 0.75, sensitivity 0.96 and precision 0.92)]. The same nucleotide change resulting in the same amino acid change has been previously reported to be associated with SMARCA4-related disorder (ClinVar ID: VCV002780427).The variant has been previously reported as de novo in at least two similarly affected unrelated individuals (PMID: 25533962, 31785789). The variant has been observed in at least two similarly affected unrelated individuals (PMID: 25533962, 31785789). A different missense change at the same codon (p.Arg1203His) has been reported as pathogenic/likely pathogenic with strong evidence (ClinVar ID: VCV000449452 /PMID: 23929686 /3billion dataset). Therefore, this variant is classified as Pathogenic according to the recommendation of ACMG/AMP guideline.

Labcorp Genetics (formerly Invitae), Labcorp
Classification: Pathogenic for Rhabdoid tumor predisposition syndrome 2. Last evaluated: 2023-12-11. Review status: criteria provided, single submitter. Criteria: Invitae Variant Classification Sherloc (09022015). Collection method: clinical testing. Allele origin: germline.
Comment: This sequence change replaces arginine, which is basic and polar, with cysteine, which is neutral and slightly polar, at codon 1203 of the SMARCA4 protein (p.Arg1203Cys). This variant is not present in population databases (gnomAD no frequency). This missense change has been observed in individual(s) with Coffin-Siris Syndrome (PMID: 33799280). In at least one individual the variant was observed to be de novo. Advanced modeling of protein sequence and biophysical properties (such as structural, functional, and spatial information, amino acid conservation, physicochemical variation, residue mobility, and thermodynamic stability) performed at Invitae indicates that this missense variant is expected to disrupt SMARCA4 protein function with a positive predictive value of 95%. For these reasons, this variant has been classified as Pathogenic.

Literature cited by the submitters: PubMed 31785789 (cited by Ambry Genetics and 3billion); PubMed 33799280 (cited by Ambry Genetics and Labcorp Genetics (formerly Invitae), Labcorp); PubMed 23929686 (cited by 3billion); PubMed 25533962 (cited by 3billion).